The following is an entry in ClinVar:

NM_173551.5(ANKS6):c.607C>T (p.His203Tyr)

Gene: ANKS6 (ankyrin repeat and sterile alpha motif domain containing 6; minus strand). Cytogenetic location: 9q22.33.
Variant type: single nucleotide variant.
Coding change: c.607C>T on transcript NM_173551.5 (MANE Select); coding-DNA position 607, C replaced by T.
Protein change: p.His203Tyr; replaces histidine 203 with tyrosine.
Molecular consequence: missense variant.
Genome position (GRCh38, 1-based): chr9:98,790,359, G>A on the plus strand (C>T on the coding strand, the complement: ANKS6 is on the minus strand). VCF-style: chr9-98790359-G-A. GRCh37 (hg19) VCF-style: chr9-101552641-G-A.
Other names: c.607C>T (NM_173551.3); short protein forms H203Y.
Identifiers: ClinVar variation 2042717 (VCV002042717.3), dbSNP rs894797150, ClinGen allele CA196826048.
Genomic context (GRCh38, chr9:98,790,359, plus strand): 5'-TCCGGGCTGCGTGGTTGGGGTCCGCGCCCCACTCCATCAGTAGACGCACCACGGCCTCGT[G>A]CCCGTGCTGGATGGCAGCCATCAGGGCTGTGATGTCCAAGGGCTCATCCCTGCTGCCGCC-3'
Protein context (NP_775822.3, residues 193-213): TALMAAIQHG[His203Tyr]EAVVRLLMEW

ClinVar aggregate classification (germline): Uncertain significance. Review status: criteria provided, multiple submitters, no conflicts (2 of 4 stars). 3 submissions from 3 submitters: Uncertain significance (3). Last evaluated 2024-06-25.

Conditions:
Nephronophthisis 16 (NPHP16). Identifiers: Orphanet 655, MedGen C3809320, MONDO:0014158, OMIM 615382.
Inborn genetic diseases. Identifiers: MedGen C0950123, MeSH D030342.

Allele frequency attached by ClinVar (database versions not stated): gnomAD exomes 0.00001; gnomAD 0.00002; TOPMed 0.00004.
gnomAD v4.1: 6 of 1,613,240 alleles (0.00037%); highest among the groups gnomAD compares: African/African-American, 0.0053%; no homozygotes.

Submissions (3):

Fulgent Genetics
Classification: Uncertain significance for Nephronophthisis 16. Last evaluated: 2024-06-25. Review status: criteria provided, single submitter. Criteria: ACMG Guidelines, 2015. Collection method: clinical testing. Allele origin: germline.

Ambry Genetics
Classification: Uncertain significance for Inborn genetic diseases. Last evaluated: 2024-03-15. Review status: criteria provided, single submitter. Criteria: Ambry Variant Classification Scheme 2023. Collection method: clinical testing. Allele origin: germline.

Labcorp Genetics (formerly Invitae), Labcorp
Classification: Uncertain significance for Nephronophthisis 16. Last evaluated: 2022-04-10. Review status: criteria provided, single submitter. Criteria: Invitae Variant Classification Sherloc (09022015). Collection method: clinical testing. Allele origin: germline.
Comment: This sequence change replaces histidine, which is basic and polar, with tyrosine, which is neutral and polar, at codon 203 of the ANKS6 protein (p.His203Tyr). This variant is present in population databases (no rsID available, gnomAD 0.003%). This variant has not been reported in the literature in individuals affected with ANKS6-related conditions. Algorithms developed to predict the effect of missense changes on protein structure and function are either unavailable or do not agree on the potential impact of this missense change (SIFT: "Deleterious"; PolyPhen-2: "Benign"; Align-GVGD: "Class C0"). In summary, the available evidence is currently insufficient to determine the role of this variant in disease. Therefore, it has been classified as a Variant of Uncertain Significance.